The following is an entry in ClinVar:

ClinVar aggregate classification (germline): Uncertain significance (1 of 4 stars; one submission).

gnomAD v4.1: 3 of 1,612,606 alleles (0.00019%); highest among the groups gnomAD compares: South Asian, 0.0022%; no homozygotes.

Submission:

Labcorp Genetics (formerly Invitae), Labcorp
Classification: Uncertain significance. Last evaluated: 2022-06-03. Review status: criteria provided, single submitter. Criteria: Invitae Variant Classification Sherloc (09022015). Collection method: clinical testing. Allele origin: germline.
Comment: This sequence change replaces tyrosine, which is neutral and polar, with cysteine, which is neutral and slightly polar, at codon 1120 of the ELP1 protein (p.Tyr1120Cys). This variant is not present in population databases (gnomAD no frequency). This variant has not been reported in the literature in individuals affected with ELP1-related conditions. Algorithms developed to predict the effect of missense changes on protein structure and function are either unavailable or do not agree on the potential impact of this missense change (SIFT: "Tolerated"; PolyPhen-2: "Possibly Damaging"; Align-GVGD: "Class C15"). Algorithms developed to predict the effect of sequence changes on RNA splicing suggest that this variant may create or strengthen a splice site. In summary, the available evidence is currently insufficient to determine the role of this variant in disease. Therefore, it has been classified as a Variant of Uncertain Significance.

NM_003640.5(ELP1):c.3359A>G (p.Tyr1120Cys)

Gene: ELP1 (elongator acetyltransferase complex subunit 1; minus strand). Cytogenetic location: 9q31.3.
Variant type: single nucleotide variant.
Coding change: c.3359A>G on transcript NM_003640.5 (MANE Select); coding-DNA position 3359, A replaced by G.
Protein change: p.Tyr1120Cys; replaces tyrosine 1120 with cysteine.
Molecular consequence: missense variant.
Genome position (GRCh38, 1-based): chr9:108,880,153, T>C on the plus strand (A>G on the coding strand, the complement: ELP1 is on the minus strand). VCF-style: chr9-108880153-T-C. GRCh37 (hg19) VCF-style: chr9-111642433-T-C.
Other names: c.3017A>G, p.Tyr1006Cys (NM_001318360.2); c.2312A>G, p.Tyr771Cys (NM_001330749.2); short protein forms Y1006C, Y1120C, Y771C.
Identifiers: ClinVar variation 1958403 (VCV001958403.2), dbSNP rs2537859464, ClinGen allele CA374412608.
Genomic context (GRCh38, chr9:108,880,153, plus strand): 5'-ACCAATAAACGTTTCTTGTGGCGACTGAATGTGGCTGTCTGAGAGTCCAGAAATGCCATA[T>C]AATTTTTCTGGGCTGGAGATGCAGAATGGAAAATAGTTTGAGCATGAGGTTTAAGCAAAG-3'
Protein context (NP_003631.2, residues 1110-1130): KPSILEAQKN[Tyr1120Cys]MAFLDSQTAT